The following is an entry in ClinVar:

NM_000444.6(PHEX):c.1359A>C (p.Glu453Asp)

Gene: PHEX (phosphate regulating endopeptidase X-linked; plus strand). Cytogenetic location: Xp22.11.
Variant type: single nucleotide variant.
Coding change: c.1359A>C on transcript NM_000444.6 (MANE Select); coding-DNA position 1359, A replaced by C.
Protein change: p.Glu453Asp; replaces glutamic acid 453 with aspartic acid.
Molecular consequence: missense variant.
Genome position (GRCh38, 1-based): chrX:22,133,579, A>C. VCF-style: chrX-22133579-A-C. GRCh37 (hg19) VCF-style: chrX-22151696-A-C.
Other names: c.1359A>C, p.Glu453Asp (NM_001282754.2); c.1359A>C (NM_000444.4); short protein forms E453D.
Identifiers: ClinVar variation 438560 (VCV000438560.14), dbSNP rs202164519, ClinGen allele CA327525253.

ClinVar aggregate classification (germline): Conflicting classifications of pathogenicity. Review status: criteria provided, conflicting classifications (1 of 4 stars). 5 submissions from 5 submitters: Pathogenic (2); Uncertain significance (2); Benign (1). Last evaluated 2026-01-06.

Conditions:
Familial X-linked hypophosphatemic vitamin D refractory rickets (XLHRD). Also called: X-Linked Hypophosphatemia; Hypophosphatemic Rickets, X-Linked Dominant; HYPOPHOSPHATEMIC VITAMIN D-RESISTANT RICKETS; Hypophosphatemia, vitamin D-resistant rickets; Vitamin D-resistant rickets, X-linked. Identifiers: Orphanet 89936, MedGen C0733682, MONDO:0010619, OMIM 307800.
Inborn genetic diseases. Identifiers: MedGen C0950123, MeSH D030342.

Allele frequency attached by ClinVar (database versions not stated): gnomAD exomes 0.00002; gnomAD 0.00004 and 0.00005; TOPMed 0.00006.
gnomAD v4.1: 30 of 1,207,469 alleles (0.0025%); highest among the groups gnomAD compares: Admixed American, 0.0044%; no homozygotes.

Submissions (5):

Labcorp Genetics (formerly Invitae), Labcorp
Classification: Benign. Last evaluated: 2026-01-06. Review status: criteria provided, single submitter. Criteria: Invitae Variant Classification Sherloc (09022015). Collection method: clinical testing. Allele origin: germline.

Women's Health and Genetics/Laboratory Corporation of America, LabCorp
Classification: Uncertain significance. Last evaluated: 2023-10-04. Review status: criteria provided, single submitter. Criteria: LabCorp Variant Classification Summary - May 2015. Collection method: clinical testing. Allele origin: germline.
Comment: Variant summary: PHEX c.1359A>C (p.Glu453Asp) results in a conservative amino acid change located in the Peptidase M13, N-terminal domain (IPR018497) of the encoded protein sequence. Three of five in-silico tools predict a benign effect of the variant on protein function. The variant allele was found at a frequency of 2.2e-05 in 183326 control chromosomes including 3 hemizygotes suggesting a benign role. The available data on variant occurrences in the general population are insufficient to allow any conclusion about variant significance. To our knowledge, no occurrence of c.1359A>C in individuals affected with X-Linked Hypophosphatemic Rickets and no experimental evidence demonstrating its impact on protein function have been reported. Three submitters have cited clinical-significance assessments for this variant to ClinVar after 2014. One submitter classified the variant as pathogenic, one submitter classified the variant as benign, and a third submitter classified the variant as uncertain significance. Based on the evidence outlined above, the variant was classified as VUS-possibly benign.

Ambry Genetics
Classification: Uncertain significance for Inborn genetic diseases. Last evaluated: 2023-05-17. Review status: criteria provided, single submitter. Criteria: Ambry Variant Classification Scheme 2023. Collection method: clinical testing. Allele origin: germline.

Mendelics
Classification: Pathogenic for Familial X-linked hypophosphatemic vitamin D refractory rickets. Last evaluated: 2022-05-04. Review status: criteria provided, single submitter. Criteria: Mendelics Assertion Criteria 2019. Collection method: clinical testing. Allele origin: germline.

Institute of Human Genetics Munich, TUM University Hospital
Classification: Pathogenic for Familial X-linked hypophosphatemic vitamin D refractory rickets. Last evaluated: 2013-11-06. Review status: criteria provided, single submitter. Criteria: Classification criteria August 2017. Collection method: clinical testing. Allele origin: germline. Inheritance: X-linked inheritance. Affected: yes. Observed: 1 heterozygote.